The following is an entry in ClinVar:

ClinVar aggregate classification (germline): Pathogenic (1 of 4 stars; one submission).

Conditions:
Tuberous sclerosis 1 (TSC1). Identifiers: Orphanet 805, MedGen C1854465, MONDO:0008612, OMIM 191100.

Submission:

Labcorp Genetics (formerly Invitae), Labcorp
Classification: Pathogenic for Tuberous sclerosis 1. Last evaluated: 2024-04-09. Review status: criteria provided, single submitter. Criteria: Invitae Variant Classification Sherloc (09022015). Collection method: clinical testing. Allele origin: germline.
Comment: This sequence change creates a premature translational stop signal (p.Leu923Trpfs*21) in the TSC1 gene. It is expected to result in an absent or disrupted protein product. Loss-of-function variants in TSC1 are known to be pathogenic (PMID: 10227394, 17304050). This variant is not present in population databases (gnomAD no frequency). This variant has not been reported in the literature in individuals affected with TSC1-related conditions. For these reasons, this variant has been classified as Pathogenic.

Literature cited by the submitters: PubMed 10227394; PubMed 17304050.

NM_000368.5(TSC1):c.2729_2766dup (p.Leu923fs)

Gene: TSC1 (TSC complex subunit 1; minus strand). Cytogenetic location: 9q34.13.
Variant type: Duplication.
Coding change: c.2729_2766dup on transcript NM_000368.5 (MANE Select); coding-DNA positions 2729 to 2766, 38 bases duplicated.
Protein change: p.Leu923fs; shifts the reading frame from leucine 923.
Molecular consequence: frameshift variant. On other transcripts: non-coding transcript variant (5).
Genome position (GRCh38, 1-based): chr9:132,897,470-132,897,507, 38 bases duplicated; duplicating any 38 consecutive bases within chr9:132,897,470-132,897,509 gives the same sequence; the c. name uses the placement nearest the transcript's 3' end. GRCh37 (hg19): chr9:135,772,859-135,772,896.
Other names: c.2363_2400dup, p.Leu801fs (NM_001406622.1, NM_001406623.1, NM_001406621.1 and 1 more transcripts); c.2324_2361dup, p.Leu788fs (NM_001406624.1); c.2321_2358dup, p.Leu787fs (NM_001406625.1); c.1778_1815dup, p.Leu606fs (NM_001406626.1); c.1775_1812dup, p.Leu605fs (NM_001406627.1, NM_001406628.1); c.2726_2763dup, p.Leu922fs (NM_001406600.1, NM_001162426.2, NM_001406597.1 and 2 more transcripts); c.2714_2751dup, p.Leu918fs (NM_001406601.1, NM_001406602.1); c.2711_2748dup, p.Leu917fs (NM_001406603.1, NM_001406604.1); and 8 more; short protein forms L788fs, L857fs, L871fs, L923fs, L572fs, L787fs, L872fs, L909fs.
Identifiers: ClinVar variation 3649286 (VCV003649286.2).
Genomic context (GRCh38, chr9:132,897,469, plus strand): 5'-CTGATGAAAGTTACCTTGCCTGGAGTTTGACATCCTCTAGATATTTCTTCTGTTCCAAAA[G>GAAGGTGGTCTTTCTTGGCCAGGTGAGATTCCAGTTCCA]AAGGTGGTCTTTCTTGGCCAGGTGAGATTCCAGTTCCAAAATCCGTTTTTGGGAGGTATC-3'